The following is an entry in ClinVar:

ClinVar aggregate classification (germline): Conflicting classifications of pathogenicity. Review status: criteria provided, conflicting classifications (1 of 4 stars). 8 submissions from 4 submitters: Uncertain significance (1); Benign (6); Likely benign (1). Last evaluated 2025-07-21.

Conditions:
Hereditary cryohydrocytosis with reduced stomatin. Also called: Stomatin-deficient cryohydrocytosis with neurologic defects; GLUT1 DEFICIENCY SYNDROME WITH PSEUDOHYPERKALEMIA AND HEMOLYSIS. Identifiers: Orphanet 168577, MedGen C1837206, MONDO:0012143, OMIM 608885.
Encephalopathy due to GLUT1 deficiency. Also called: GLUT1 deficiency syndrome 1, infantile onset, severe; GLUCOSE TRANSPORT DEFECT, BLOOD-BRAIN BARRIER; Glucose transporter protein syndrome; GLUT1 deficiency syndrome 1; De Vivo disease; Classic Glucose Transporter Type 1 Deficiency Syndrome. Identifiers: Orphanet 71277, MedGen C4551966, MONDO:0011724, OMIM 606777.
GLUT1 deficiency syndrome 1, autosomal recessive. Identifiers: MedGen C3149117.
Childhood onset GLUT1 deficiency syndrome 2. Also called: PAROXYSMAL EXERCISE-INDUCED DYSKINESIA WITH OR WITHOUT EPILEPSY AND/OR HEMOLYTIC ANEMIA; PAROXYSMAL EXERTION-INDUCED DYSTONIA WITH OR WITHOUT EPILEPSY AND/OR HEMOLYTIC ANEMIA; PED WITH OR WITHOUT EPILEPSY AND/OR HEMOLYTIC ANEMIA; Paroxysmal exercise-induced dystonia; GLUT1 deficiency syndrome 2; PxMD-SLC2A1. Identifiers: Orphanet 98811, MedGen C1842534, MONDO:0012805, OMIM 612126.
Dystonia 9 (DYT9). Also called: CHOREOATHETOSIS, KINESIGENIC, WITH EPISODIC ATAXIA AND SPASTICITY. Identifiers: Orphanet 53583, MedGen C1832855, MONDO:0010983, OMIM 601042.
Epilepsy, idiopathic generalized, susceptibility to, 12 (EIG12). Identifiers: MedGen C3553859, MONDO:0013919, OMIM 614847.

Submissions (8):

Labcorp Genetics (formerly Invitae), Labcorp
Classification: Benign for GLUT1 deficiency syndrome 1, autosomal recessive. Last evaluated: 2025-07-21. Review status: criteria provided, single submitter. Criteria: Invitae Variant Classification Sherloc (09022015). Collection method: clinical testing. Allele origin: germline.

Genome-Nilou Lab
Classification: Benign for Epilepsy, idiopathic generalized, susceptibility to, 12. Last evaluated: 2023-04-11. Review status: criteria provided, single submitter. Criteria: ACMG Guidelines, 2015. Collection method: clinical testing. Allele origin: germline. Affected: no.

Genome-Nilou Lab
Classification: Benign for Dystonia 9. Last evaluated: 2023-04-11. Review status: criteria provided, single submitter. Criteria: ACMG Guidelines, 2015. Collection method: clinical testing. Allele origin: germline. Affected: no.

Genome-Nilou Lab
Classification: Benign for Encephalopathy due to GLUT1 deficiency. Last evaluated: 2023-04-11. Review status: criteria provided, single submitter. Criteria: ACMG Guidelines, 2015. Collection method: clinical testing. Allele origin: germline. Affected: no.

Genome-Nilou Lab
Classification: Benign for Childhood onset GLUT1 deficiency syndrome 2. Last evaluated: 2023-04-11. Review status: criteria provided, single submitter. Criteria: ACMG Guidelines, 2015. Collection method: clinical testing. Allele origin: germline. Affected: no.

Genome-Nilou Lab
Classification: Benign for Hereditary cryohydrocytosis with reduced stomatin. Last evaluated: 2023-04-11. Review status: criteria provided, single submitter. Criteria: ACMG Guidelines, 2015. Collection method: clinical testing. Allele origin: germline. Affected: no.

Blueprint Genetics
Classification: Uncertain significance. Last evaluated: 2021-11-24. Review status: criteria provided, single submitter. Criteria: ACMG Guidelines, 2015. Collection method: clinical testing. Allele origin: germline.

GeneDx
Classification: Likely benign. Last evaluated: 2017-12-27. Review status: criteria provided, single submitter. Criteria: GeneDx Variant Classification (06012015). Collection method: clinical testing. Allele origin: germline. Affected: yes.
Comment: This variant is considered likely benign or benign based on one or more of the following criteria: it is a conservative change, it occurs at a poorly conserved position in the protein, it is predicted to be benign by multiple in silico algorithms, and/or has population frequency not consistent with disease.

NM_006516.4(SLC2A1):c.1278+12del

Gene: SLC2A1 (solute carrier family 2 member 1; minus strand). Cytogenetic location: 1p34.2.
Variant type: Deletion.
Coding change: c.1278+12del on transcript NM_006516.4 (MANE Select); 12 bases into the intron after coding-DNA position 1278, one base deleted (C; older notation c.1278+12delC).
Molecular consequence: intron variant.
Genome position (GRCh38, 1-based): chr1:42,927,593, G deleted on the plus strand (C on the coding strand, the reverse complement: SLC2A1 is on the minus strand); the first of 5 consecutive G bases (chr1:42,927,593-42,927,597); deleting any one gives the same sequence. VCF-style (leftmost placement, unchanged base first): chr1-42927592-TG-T. GRCh37 (hg19) VCF-style: chr1-43393263-TG-T.
Other names: c.1278+12delC (NM_006516.2).
Identifiers: ClinVar variation 509365 (VCV000509365.7), dbSNP rs368437445, ClinGen allele CA803319.